The following is an entry in ClinVar:

NM_022455.5(NSD1):c.3964C>T (p.Arg1322Ter)

Gene: NSD1 (nuclear receptor binding SET domain protein 1; plus strand). Cytogenetic location: 5q35.3.
Variant type: single nucleotide variant.
Coding change: c.3964C>T on transcript NM_022455.5 (MANE Select); coding-DNA position 3964, C replaced by T.
Protein change: p.Arg1322Ter; replaces arginine 1322 with a stop codon.
Molecular consequence: nonsense.
Genome position (GRCh38, 1-based): chr5:177,238,279, C>T. VCF-style: chr5-177238279-C-T. GRCh37 (hg19) VCF-style: chr5-176665280-C-T.
Other names: c.3091C>T, p.Arg1031Ter (NM_001365684.2, NM_001409306.1, NM_001409307.1 and 3 more transcripts); c.3964C>T, p.Arg1322Ter (NM_001409301.1, NM_001409302.1, NM_001409303.1); c.3544C>T, p.Arg1182Ter (NM_001409304.1); c.3211C>T, p.Arg1071Ter (NM_001409305.1); short protein forms R1322*, R1053*, R1031*, R1071*, R1182*.
Identifiers: ClinVar variation 159318 (VCV000159318.21), dbSNP rs587784107, ClinGen allele CA294857.

ClinVar aggregate classification (germline): Pathogenic. Review status: criteria provided, multiple submitters, no conflicts (2 of 4 stars). 6 submissions from 6 submitters: Pathogenic (6). Last evaluated 2025-04-03.

Conditions:
Sotos syndrome (SOTOS). Also called: Distinctive facial appearance, overgrowth in childhood, and learning disabilities or delayed development; CEREBRAL GIGANTISM; Sotos' syndrome; CHROMOSOME 5q35 DELETION SYNDROME; SOTOS SYNDROME 1. Identifiers: Orphanet 821, MedGen C0175695, MONDO:0019349, OMIM 117550.

Allele frequency attached by ClinVar (database versions not stated): TOPMed below 0.00001.

Submissions (6):

Labcorp Genetics (formerly Invitae), Labcorp
Classification: Pathogenic. Last evaluated: 2025-04-03. Review status: criteria provided, single submitter. Criteria: Invitae Variant Classification Sherloc (09022015). Collection method: clinical testing. Allele origin: germline.
Comment: This sequence change creates a premature translational stop signal (p.Arg1322*) in the NSD1 gene. It is expected to result in an absent or disrupted protein product. Loss-of-function variants in NSD1 are known to be pathogenic (PMID: 12464997, 14571271, 15942875, 16247291). This variant is not present in population databases (gnomAD no frequency). This premature translational stop signal has been observed in individual(s) with Sotos syndrome (PMID: 14627693, 16247291). In at least one individual the variant was observed to be de novo. ClinVar contains an entry for this variant (Variation ID: 159318). For these reasons, this variant has been classified as Pathogenic.

Victorian Clinical Genetics Services, Murdoch Childrens Research Institute
Classification: Pathogenic for Sotos syndrome. Last evaluated: 2024-10-09. Review status: criteria provided, single submitter. Criteria: ACMG Guidelines, 2015. Collection method: clinical testing. Allele origin: germline. Inheritance: Autosomal dominant inheritance. Affected: yes.
Comment: Based on the classification scheme VCGS_Germline_v1.3.4, this variant is classified as Pathogenic. Following criteria are met: 0102 - Loss of function is a known mechanism of disease in this gene and is associated with Sotos syndrome (MIM#117550). (I) 0107 - This gene is associated with autosomal dominant disease. (I) 0201 - Variant is predicted to cause nonsense-mediated decay (NMD) and loss of protein (premature termination codon is located at least 54 nucleotides upstream of the final exon-exon junction). (SP) 0251 - This variant is heterozygous. (I) 0301 - Variant is absent from gnomAD (both v2 and v3). (SP) 0701 - Other NMD-predicted variants comparable to the one identified in this case have very strong previous evidence for pathogenicity (DECIPHER). (SP) 0801 - This variant has strong previous evidence of pathogenicity in unrelated individuals. This variant has been classified as pathogenic by multiple clinical laboratories in ClinVar. (SP) Legend: (SP) - Supporting pathogenic, (I) - Information, (SB) - Supporting benign

Institute of Immunology and Genetics Kaiserslautern
Classification: Pathogenic for Sotos syndrome. Last evaluated: 2024-02-02. Review status: criteria provided, single submitter. Criteria: ACMG Guidelines, 2015. Collection method: clinical testing. Allele origin: germline. Affected: yes.
Comment: ACMG Criteria: PVS1, PM2, PP5; Variant was found in heterozygous state

GeneDx
Classification: Pathogenic. Last evaluated: 2022-10-09. Review status: criteria provided, single submitter. Criteria: GeneDx Variant Classification Process June 2021. Collection method: clinical testing. Allele origin: germline. Affected: yes.
Comment: Nonsense variant predicted to result in protein truncation or nonsense mediated decay in a gene for which loss of function is a known mechanism of disease; Not observed at significant frequency in large population cohorts (gnomAD); This variant is associated with the following publications: (PMID: 25525159, 14627693, 16247291, 15942875, 16010675)

Genome-Nilou Lab
Classification: Pathogenic for Sotos syndrome. Last evaluated: 2021-07-15. Review status: criteria provided, single submitter. Criteria: ACMG Guidelines, 2015. Collection method: clinical testing. Allele origin: germline. Affected: no.

Genetic Services Laboratory, University of Chicago
Classification: Pathogenic for Sotos syndrome 1. Last evaluated: 2013-02-08. Review status: criteria provided, single submitter. Criteria: ACMG Guidelines, 2007. Collection method: clinical testing. Allele origin: germline. Inheritance: Autosomal dominant inheritance. Affected: yes.

Literature cited by the submitters: PubMed 12464997 (cited by Labcorp Genetics (formerly Invitae), Labcorp); PubMed 14571271 (cited by Labcorp Genetics (formerly Invitae), Labcorp); PubMed 15942875 (cited by Labcorp Genetics (formerly Invitae), Labcorp); PubMed 16247291 (cited by Labcorp Genetics (formerly Invitae), Labcorp); PubMed 14627693 (cited by Labcorp Genetics (formerly Invitae), Labcorp).